The following is an entry in ClinVar:

NM_001385001.1(MCTP2):c.2473A>T (p.Ile825Leu)

Gene: MCTP2 (multiple C2 and transmembrane domain containing 2; plus strand). Cytogenetic location: 15q26.2.
Variant type: single nucleotide variant.
Coding change: c.2473A>T on transcript NM_001385001.1 (MANE Select); coding-DNA position 2473, A replaced by T.
Protein change: p.Ile825Leu; replaces isoleucine 825 with leucine.
Molecular consequence: missense variant. On other transcripts: non-coding transcript variant (7).
Genome position (GRCh38, 1-based): chr15:94,476,698, A>T. VCF-style: chr15-94476698-A-T. GRCh37 (hg19) VCF-style: chr15-95019927-A-T.
Other names: c.2308A>T, p.Ile770Leu (NM_001159643.2, NM_001385004.1); c.2473A>T, p.Ile825Leu (NM_001385002.1, NM_001385003.1, NM_018349.4); c.2431A>T, p.Ile811Leu (NM_001385005.1); c.2350A>T, p.Ile784Leu (NM_001385006.1); c.2191A>T, p.Ile731Leu (NM_001385007.1); c.1975A>T, p.Ile659Leu (NM_001385009.1); c.1810A>T, p.Ile604Leu (NM_001385010.1); short protein forms I770L, I825L, I604L, I659L, I731L, I784L, I811L.
Identifiers: ClinVar variation 778570 (VCV000778570.7), dbSNP rs116786835, ClinGen allele CA7750527.

ClinVar aggregate classification (germline): Benign. Review status: criteria provided, multiple submitters, no conflicts (2 of 4 stars). 3 submissions from 3 submitters: Benign (2). 1 of the submissions does not count toward it. Last evaluated 2019-12-31.

Conditions:
MCTP2-related disorder. Also called: MCTP2-related condition.

Allele frequency attached by ClinVar (database versions not stated): ESP Exome Variant Server 0.01455; gnomAD 0.01701 and 0.01837; 1000 Genomes Project 0.01877; TOPMed 0.01908; 1000 Genomes Project 30x 0.01936.
gnomAD v4.1: 4,216 of 1,538,050 alleles (0.27%); highest among the groups gnomAD compares: African/African-American, 5.2%; 151 homozygotes.

Submissions (3):

Labcorp Genetics (formerly Invitae), Labcorp
Classification: Benign. Last evaluated: 2019-12-31. Review status: criteria provided, single submitter. Criteria: Invitae Variant Classification Sherloc (09022015). Collection method: clinical testing. Allele origin: germline.

Breakthrough Genomics
Classification: Benign. Review status: criteria provided, single submitter. Criteria: ACMG Guidelines, 2015. Collection method: not provided. Allele origin: germline. Inheritance: Unknown mechanism. Affected: yes.

PreventionGenetics, part of Exact Sciences
Classification: Benign for MCTP2-related condition. Last evaluated: 2019-12-20. Review status: no assertion criteria provided. Collection method: clinical testing. Allele origin: germline. Not counted in ClinVar's aggregate classification.
Comment: This variant is classified as benign based on ACMG/AMP sequence variant interpretation guidelines (Richards et al. 2015 PMID: 25741868, with internal and published modifications).